The following is an entry in ClinVar:

NM_016156.6(MTMR2):c.1643T>A (p.Leu548Gln)

Gene: MTMR2 (myotubularin related protein 2; minus strand). Cytogenetic location: 11q21.
Variant type: single nucleotide variant.
Coding change: c.1643T>A on transcript NM_016156.6 (MANE Select); coding-DNA position 1643, T replaced by A.
Protein change: p.Leu548Gln; replaces leucine 548 with glutamine.
Molecular consequence: missense variant.
Genome position (GRCh38, 1-based): chr11:95,836,275, A>T on the plus strand (T>A on the coding strand, the complement: MTMR2 is on the minus strand). VCF-style: chr11-95836275-A-T. GRCh37 (hg19) VCF-style: chr11-95569439-A-T.
Other names: c.1427T>A, p.Leu476Gln (NM_001243571.2, NM_201278.3, NM_201281.3); short protein forms L476Q, L548Q.
Identifiers: ClinVar variation 1062084 (VCV001062084.9), dbSNP rs2135402121, ClinGen allele CA382414874.

ClinVar aggregate classification (germline): Uncertain significance (1 of 4 stars; one submission).

Conditions:
Charcot-Marie-Tooth disease type 4. Also called: Charcot-Marie-Tooth disease, type IV; Charcot-Marie-Tooth, Type 4. Identifiers: Orphanet 64749, MedGen C4082197, MONDO:0018995.

Submission:

Labcorp Genetics (formerly Invitae), Labcorp
Classification: Uncertain significance for Charcot-Marie-Tooth disease type 4. Last evaluated: 2020-06-30. Review status: criteria provided, single submitter. Criteria: Invitae Variant Classification Sherloc (09022015). Collection method: clinical testing. Allele origin: germline.
Comment: In summary, the available evidence is currently insufficient to determine the role of this variant in disease. Therefore, it has been classified as a Variant of Uncertain Significance. Algorithms developed to predict the effect of missense changes on protein structure and function output the following: SIFT: "Tolerated"; PolyPhen-2: "Benign"; Align-GVGD: "Class C0". The glutamine amino acid residue is found in multiple mammalian species, suggesting that this missense change does not adversely affect protein function. These predictions have not been confirmed by published functional studies and their clinical significance is uncertain. This variant has not been reported in the literature in individuals with MTMR2-related conditions. This variant is not present in population databases (ExAC no frequency). This sequence change replaces leucine with glutamine at codon 548 of the MTMR2 protein (p.Leu548Gln). The leucine residue is highly conserved and there is a moderate physicochemical difference between leucine and glutamine.